The following is an entry in ClinVar:

NM_000038.6(APC):c.5075C>G (p.Thr1692Arg)

Gene: APC (APC regulator of Wnt signaling pathway; plus strand). Cytogenetic location: 5q22.2.
Variant type: single nucleotide variant.
Coding change: c.5075C>G on transcript NM_000038.6 (MANE Select); coding-DNA position 5075, C replaced by G.
Protein change: p.Thr1692Arg; replaces threonine 1692 with arginine.
Molecular consequence: missense variant.
Genome position (GRCh38, 1-based): chr5:112,840,669, C>G. VCF-style: chr5-112840669-C-G. GRCh37 (hg19) VCF-style: chr5-112176366-C-G.
Other names: c.5075C>G, p.Thr1692Arg (NM_001127510.3, NM_001354895.2); c.5021C>G, p.Thr1674Arg (NM_001127511.3); c.5129C>G, p.Thr1710Arg (NM_001354896.2); c.5105C>G, p.Thr1702Arg (NM_001354897.2); c.5000C>G, p.Thr1667Arg (NM_001354898.2); c.4991C>G, p.Thr1664Arg (NM_001354899.2); c.4952C>G, p.Thr1651Arg (NM_001354900.2); c.4898C>G, p.Thr1633Arg (NM_001354901.2); and 5 more; short protein forms T1674R, T1692R, T1566R, T1651R, T1532R, T1591R, T1601R, T1664R.
Identifiers: ClinVar variation 482520 (VCV000482520.16), dbSNP rs1554086433, ClinGen allele CA16032428.
Genomic context (GRCh38, chr5:112,840,669, plus strand): 5'-GAGAAGGAGTTAGAGGAGGGGCACAGTCAGGTGAATTTGAAAAACGAGATACCATTCCTA[C>G]AGAAGGCAGAAGTACAGATGAGGCTCAAGGAGGAAAAACCTCATCTGTAACCATACCTGA-3'
Protein context (NP_000029.2, residues 1682-1702): GEFEKRDTIP[Thr1692Arg]EGRSTDEAQG

ClinVar aggregate classification (germline): Uncertain significance. Review status: criteria provided, multiple submitters, no conflicts (2 of 4 stars). 3 submissions from 3 submitters: Uncertain significance (3). Last evaluated 2024-03-01.

Conditions:
Hereditary cancer-predisposing syndrome. Also called: Neoplastic Syndromes, Hereditary; Tumor predisposition; Hereditary Cancer Syndrome; Hereditary neoplastic syndrome. Identifiers: Orphanet 140162, MedGen C0027672, MeSH D009386, MONDO:0015356.
Familial adenomatous polyposis 1 (FAP1). Also called: FAMILIAL ADENOMATOUS POLYPOSIS 1, ATTENUATED; POLYPOSIS, ADENOMATOUS INTESTINAL. Identifiers: MedGen C2713442, MONDO:0021056, OMIM 175100. Disease mechanism: loss of function.

Submissions (3):

Baylor Genetics
Classification: Uncertain significance for Familial adenomatous polyposis 1. Last evaluated: 2024-03-01. Review status: criteria provided, single submitter. Criteria: ACMG Guidelines, 2015. Collection method: clinical testing. Allele origin: unknown.

Labcorp Genetics (formerly Invitae), Labcorp
Classification: Uncertain significance for Familial adenomatous polyposis 1. Last evaluated: 2023-08-10. Review status: criteria provided, single submitter. Criteria: Invitae Variant Classification Sherloc (09022015). Collection method: clinical testing. Allele origin: germline.
Comment: In summary, the available evidence is currently insufficient to determine the role of this variant in disease. Therefore, it has been classified as a Variant of Uncertain Significance. Advanced modeling of protein sequence and biophysical properties (such as structural, functional, and spatial information, amino acid conservation, physicochemical variation, residue mobility, and thermodynamic stability) performed at Invitae indicates that this missense variant is not expected to disrupt APC protein function. ClinVar contains an entry for this variant (Variation ID: 482520). This variant has not been reported in the literature in individuals affected with APC-related conditions. This variant is not present in population databases (gnomAD no frequency). This sequence change replaces threonine, which is neutral and polar, with arginine, which is basic and polar, at codon 1692 of the APC protein (p.Thr1692Arg).

Ambry Genetics
Classification: Uncertain significance for Hereditary cancer-predisposing syndrome. Last evaluated: 2017-09-14. Review status: criteria provided, single submitter. Criteria: Ambry Variant Classification Scheme 2023. Collection method: clinical testing. Allele origin: germline.
Comment: The p.T1692R variant (also known as c.5075C>G), located in coding exon 15 of the APC gene, results from a C to G substitution at nucleotide position 5075. The threonine at codon 1692 is replaced by arginine, an amino acid with similar properties. This amino acid position is well conserved in available vertebrate species. In addition, in silico predictors for this gene do not accurately predict pathogenicity. Since supporting evidence is limited at this time, the clinical significance of this alteration remains unclear.